The following is an entry in ClinVar:

NM_001130009.3(GEN1):c.452G>A (p.Cys151Tyr)

Gene: GEN1 (GEN1 structure-specific endonuclease; plus strand). Cytogenetic location: 2p24.2.
Variant type: single nucleotide variant.
Coding change: c.452G>A on transcript NM_001130009.3 (MANE Select); coding-DNA position 452, G replaced by A.
Protein change: p.Cys151Tyr; replaces cysteine 151 with tyrosine.
Molecular consequence: missense variant.
Genome position (GRCh38, 1-based): chr2:17,765,000, G>A. VCF-style: chr2-17765000-G-A. GRCh37 (hg19) VCF-style: chr2-17946267-G-A.
Other names: c.452G>A, p.Cys151Tyr (NM_182625.5); short protein forms C151Y.
Identifiers: ClinVar variation 1448463 (VCV001448463.8), dbSNP rs750413085, ClinGen allele CA1540426.

ClinVar aggregate classification (germline): Uncertain significance (1 of 4 stars; one submission).

Allele frequency attached by ClinVar (database versions not stated): gnomAD exomes 0.00001 and 0.00002; TOPMed 0.00001; ExAC 0.00002.
gnomAD v4.1: 10 of 1,614,154 alleles (0.00062%); highest among the groups gnomAD compares: Admixed American, 0.012%; no homozygotes.

Submission:

Labcorp Genetics (formerly Invitae), Labcorp
Classification: Uncertain significance. Last evaluated: 2022-04-20. Review status: criteria provided, single submitter. Criteria: Invitae Variant Classification Sherloc (09022015). Collection method: clinical testing. Allele origin: germline.
Comment: This sequence change replaces cysteine, which is neutral and slightly polar, with tyrosine, which is neutral and polar, at codon 151 of the GEN1 protein (p.Cys151Tyr). This variant is present in population databases (rs750413085, gnomAD 0.01%). This variant has not been reported in the literature in individuals affected with GEN1-related conditions. Algorithms developed to predict the effect of missense changes on protein structure and function are either unavailable or do not agree on the potential impact of this missense change (SIFT: "Deleterious"; PolyPhen-2: "Probably Damaging"; Align-GVGD: "Class C0"). In summary, the available evidence is currently insufficient to determine the role of this variant in disease. Therefore, it has been classified as a Variant of Uncertain Significance.